The following is an entry in ClinVar:

ClinVar aggregate classification (germline): Conflicting classifications of pathogenicity. Review status: criteria provided, conflicting classifications (1 of 4 stars). 3 submissions from 3 submitters: Likely pathogenic (1); Uncertain significance (1). 1 of the submissions does not count toward it. Last evaluated 2026-04-30.

Conditions:
Primary hyperoxaluria type 3. Also called: PH III. Identifiers: Orphanet 416, Orphanet 93600, MedGen C3150878, MONDO:0013327, OMIM 613616. Disease mechanism: loss of function.

Allele frequency attached by ClinVar (database versions not stated): gnomAD 0.00001; TOPMed below 0.00001.

Submissions (3):

Myriad Genetics, Inc.
Classification: Uncertain significance for Primary hyperoxaluria type 3. Last evaluated: 2026-04-30. Review status: criteria provided, single submitter. Criteria: Myriad Autosomal Dominant, Autosomal Recessive and X-Linked Classification Criteria (2023). Collection method: clinical testing. Allele origin: unknown.
Comment: NM_138413.3(HOGA1):c.839C>T(T280I) is a missense variant classified as a variant of uncertain significance in the context of primary hyperoxaluria type 3. T280I has been observed in a case with relevant disease (PMID: 21896830). Relevant functional assessments of this variant are available in the literature (PMID: 22771891). T280I has not been observed in referenced population frequency databases. In summary, there is insufficient evidence to classify NM_138413.3(HOGA1):c.839C>T(T280I) as pathogenic or benign. Please note: this variant was assessed in the context of healthy population screening.

Fulgent Genetics
Classification: Likely pathogenic for Primary hyperoxaluria type 3. Last evaluated: 2024-03-14. Review status: criteria provided, single submitter. Criteria: ACMG Guidelines, 2015. Collection method: clinical testing. Allele origin: germline.

Clinical Biochemistry Laboratory, Health Services Laboratory
Classification: Pathogenic for Primary hyperoxaluria, type III. Last evaluated: 2014-11-27. Review status: no assertion criteria provided. Collection method: in vitro. Allele origin: germline. Affected: yes. Not counted in ClinVar's aggregate classification.

Literature cited by the submitters: PubMed 21896830 (cited by Myriad Genetics, Inc. and Clinical Biochemistry Laboratory, Health Services Laboratory); PubMed 22771891 (cited by Myriad Genetics, Inc.).

NM_138413.4(HOGA1):c.839C>T (p.Thr280Ile)

Gene: HOGA1 (4-hydroxy-2-oxoglutarate aldolase 1; plus strand). Cytogenetic location: 10q24.2.
Variant type: single nucleotide variant.
Coding change: c.839C>T on transcript NM_138413.4 (MANE Select); coding-DNA position 839, C replaced by T.
Protein change: p.Thr280Ile; replaces threonine 280 with isoleucine.
Molecular consequence: missense variant.
Genome position (GRCh38, 1-based): chr10:97,611,514, C>T. VCF-style: chr10-97611514-C-T. GRCh37 (hg19) VCF-style: chr10-99371271-C-T.
Other names: c.350C>T, p.Thr117Ile (NM_001134670.2); short protein forms T280I, T117I.
Identifiers: ClinVar variation 204277 (VCV000204277.4), dbSNP rs756489804, ClinGen allele CA203964.